The following is an entry in ClinVar:

NM_002900.3(RBP3):c.2597C>T (p.Thr866Met)

Gene: RBP3 (retinol binding protein 3; plus strand). Cytogenetic location: 10q11.22.
Variant type: single nucleotide variant.
Coding change: c.2597C>T on transcript NM_002900.3 (MANE Select); coding-DNA position 2597, C replaced by T.
Protein change: p.Thr866Met; replaces threonine 866 with methionine.
Molecular consequence: missense variant.
Genome position (GRCh38, 1-based): chr10:47,351,081, C>T. VCF-style: chr10-47351081-C-T. GRCh37 (hg19) VCF-style: chr10-48388281-G-A.
Other names: short protein forms T866M.
Identifiers: ClinVar variation 838264 (VCV000838264.9), dbSNP rs782152099, ClinGen allele CA5487241.
Genomic context (GRCh38, chr10:47,351,081, plus strand): 5'-ACACCAGTGGCTCTGCGGCCGAGGCCTTTGCACACACCATGCAGGACCTGCAGCGGGCCA[C>T]GGTCATTGGGGAGCCCACGGCCGGAGGCGCACTCTCTGTGGGCATCTACCAGGTGGGCAG-3'
Protein context (NP_002891.1, residues 856-876): AHTMQDLQRA[Thr866Met]VIGEPTAGGA

ClinVar aggregate classification (germline): Uncertain significance. Review status: criteria provided, multiple submitters, no conflicts (2 of 4 stars). 4 submissions from 4 submitters: Uncertain significance (4). Last evaluated 2024-01-17.

Conditions:
Inborn genetic diseases. Identifiers: MedGen C0950123, MeSH D030342.
Retinal dystrophy. Also called: Inherited retinal dystrophy. Identifiers: Orphanet 71862, MedGen C0854723, MeSH D058499, MONDO:0019118, HP:0000556.

Allele frequency attached by ClinVar (database versions not stated): gnomAD 0.00005 and 0.00006; gnomAD exomes 0.00005 and 0.00009; TOPMed 0.00008; ExAC 0.00010.
gnomAD v4.1: 78 of 1,612,012 alleles (0.0048%); highest among the groups gnomAD compares: East Asian, 0.025%; no homozygotes.

Submissions (4):

Ambry Genetics
Classification: Uncertain significance for Inborn genetic diseases. Last evaluated: 2024-01-17. Review status: criteria provided, single submitter. Criteria: Ambry Variant Classification Scheme 2023. Collection method: clinical testing. Allele origin: germline.

Dept Of Ophthalmology, Nagoya University
Classification: Uncertain significance for Retinal dystrophy. Last evaluated: 2023-10-01. Review status: criteria provided, single submitter. Criteria: Submitter's publication. Collection method: research. Allele origin: germline. Affected: yes.

Blueprint Genetics
Classification: Uncertain significance. Last evaluated: 2023-05-17. Review status: criteria provided, single submitter. Criteria: ACMG Guidelines, 2015. Collection method: clinical testing. Allele origin: germline.

Labcorp Genetics (formerly Invitae), Labcorp
Classification: Uncertain significance. Last evaluated: 2022-06-23. Review status: criteria provided, single submitter. Criteria: Invitae Variant Classification Sherloc (09022015). Collection method: clinical testing. Allele origin: germline.
Comment: This sequence change replaces threonine, which is neutral and polar, with methionine, which is neutral and non-polar, at codon 866 of the RBP3 protein (p.Thr866Met). This variant is present in population databases (rs782152099, gnomAD 0.06%). This variant has not been reported in the literature in individuals affected with RBP3-related conditions. ClinVar contains an entry for this variant (Variation ID: 838264). Algorithms developed to predict the effect of missense changes on protein structure and function are either unavailable or do not agree on the potential impact of this missense change (SIFT: "Deleterious"; PolyPhen-2: "Probably Damaging"; Align-GVGD: "Class C0"). In summary, the available evidence is currently insufficient to determine the role of this variant in disease. Therefore, it has been classified as a Variant of Uncertain Significance.